The following is an entry in ClinVar:

NM_003995.4(NPR2):c.1687C>G (p.Gln563Glu)

Gene: NPR2 (natriuretic peptide receptor 2; plus strand). Cytogenetic location: 9p13.3.
Variant type: single nucleotide variant.
Coding change: c.1687C>G on transcript NM_003995.4 (MANE Select); coding-DNA position 1687, C replaced by G.
Protein change: p.Gln563Glu; replaces glutamine 563 with glutamic acid.
Molecular consequence: missense variant.
Genome position (GRCh38, 1-based): chr9:35,802,260, C>G. VCF-style: chr9-35802260-C-G. GRCh37 (hg19) VCF-style: chr9-35802257-C-G.
Other names: c.1696C>G, p.Gln566Glu (NM_001378923.1); short protein forms Q563E, Q566E.
Identifiers: ClinVar variation 3758275 (VCV003758275.2).

ClinVar aggregate classification (germline): Uncertain significance (1 of 4 stars; one submission).

Conditions:
Acromesomelic dysplasia 1, Maroteaux type (AMD1). Also called: ST. HELENA DYSPLASIA; ACROMESOMELIC DYSPLASIA 1. Identifiers: Orphanet 40, MedGen C1864356, MONDO:0011275, OMIM 602875.
Tall stature-scoliosis-macrodactyly of the great toes syndrome. Also called: Epiphyseal chondrodysplasia, miura type. Identifiers: Orphanet 329191, MedGen C4014690, MONDO:0014401, OMIM 615923.

Submission:

Labcorp Genetics (formerly Invitae), Labcorp
Classification: Uncertain significance for Tall stature-scoliosis-macrodactyly of the great toes syndrome; Acromesomelic dysplasia 1, Maroteaux type. Last evaluated: 2025-01-08. Review status: criteria provided, single submitter. Criteria: Invitae Variant Classification Sherloc (09022015). Collection method: clinical testing. Allele origin: germline.
Comment: This sequence change replaces glutamine, which is neutral and polar, with glutamic acid, which is acidic and polar, at codon 563 of the NPR2 protein (p.Gln563Glu). This variant is not present in population databases (gnomAD no frequency). This variant has not been reported in the literature in individuals affected with NPR2-related conditions. Invitae Evidence Modeling of protein sequence and biophysical properties (such as structural, functional, and spatial information, amino acid conservation, physicochemical variation, residue mobility, and thermodynamic stability) indicates that this missense variant is not expected to disrupt NPR2 protein function with a negative predictive value of 80%. In summary, the available evidence is currently insufficient to determine the role of this variant in disease. Therefore, it has been classified as a Variant of Uncertain Significance.